The following is an entry in ClinVar:

ClinVar aggregate classification (germline): Uncertain significance (1 of 4 stars; one submission).

Conditions:
Osteogenesis imperfecta type I (OI1). Also called: Lobstein's Disease; Classic Non-deforming Osteogenesis Imperfecta with Blue Sclerae; Lobstein disease; OI, TYPE I; OSTEOGENESIS IMPERFECTA TARDA; OSTEOGENESIS IMPERFECTA WITH BLUE SCLERAE. Identifiers: Orphanet 216796, Orphanet 666, MedGen C0023931, MONDO:0008146, OMIM 166200. Disease mechanism: loss of function.

gnomAD v4.1: 1 of 1,613,516 alleles (0.000062%); no homozygotes.

Submission:

Labcorp Genetics (formerly Invitae), Labcorp
Classification: Uncertain significance for Osteogenesis imperfecta type I. Last evaluated: 2023-05-17. Review status: criteria provided, single submitter. Criteria: Invitae Variant Classification Sherloc (09022015). Collection method: clinical testing. Allele origin: germline.
Comment: In summary, the available evidence is currently insufficient to determine the role of this variant in disease. Therefore, it has been classified as a Variant of Uncertain Significance. Advanced modeling of protein sequence and biophysical properties (such as structural, functional, and spatial information, amino acid conservation, physicochemical variation, residue mobility, and thermodynamic stability) performed at Invitae indicates that this missense variant is not expected to disrupt COL1A1 protein function. This variant has not been reported in the literature in individuals affected with COL1A1-related conditions. This variant is not present in population databases (gnomAD no frequency). This sequence change replaces aspartic acid, which is acidic and polar, with glutamic acid, which is acidic and polar, at codon 168 of the COL1A1 protein (p.Asp168Glu).

NM_000088.4(COL1A1):c.504T>A (p.Asp168Glu)

Gene: COL1A1 (collagen type I alpha 1 chain; minus strand). Cytogenetic location: 17q21.33.
Variant type: single nucleotide variant.
Coding change: c.504T>A on transcript NM_000088.4 (MANE Select); coding-DNA position 504, T replaced by A.
Protein change: p.Asp168Glu; replaces aspartic acid 168 with glutamic acid.
Molecular consequence: missense variant.
Genome position (GRCh38, 1-based): chr17:50,198,472, A>T on the plus strand (T>A on the coding strand, the complement: COL1A1 is on the minus strand). VCF-style: chr17-50198472-A-T. GRCh37 (hg19) VCF-style: chr17-48275833-A-T.
Other names: short protein forms D168E.
Identifiers: ClinVar variation 2862681 (VCV002862681.3), dbSNP rs368246367, ClinGen allele CA400226263.